The following is an entry in ClinVar:

NM_005876.5(SPEG):c.9795C>T (p.Gly3265=)

Genes: ASIC4-AS1 (ASIC4 antisense RNA 1; minus strand), SPEG (striated muscle enriched protein kinase; plus strand). Cytogenetic location: 2q35.
Variant type: single nucleotide variant.
Coding change: c.9795C>T on transcript NM_005876.5 (MANE Select); coding-DNA position 9795, C replaced by T.
Protein change: p.Gly3265=; no amino-acid change (glycine 3265 retained).
Molecular consequence: synonymous variant.
Genome position (GRCh38, 1-based): chr2:219,492,777, C>T. VCF-style: chr2-219492777-C-T. GRCh37 (hg19) VCF-style: chr2-220357499-C-T.
Identifiers: ClinVar variation 1597945 (VCV001597945.31), dbSNP rs371349906, ClinGen allele CA2127877.

ClinVar aggregate classification (germline): Likely benign. Review status: criteria provided, multiple submitters, no conflicts (2 of 4 stars). 3 submissions from 3 submitters: Likely benign (3). Last evaluated 2025-03-26.

Allele frequency attached by ClinVar (database versions not stated): gnomAD 0.00001; ExAC 0.00002; gnomAD exomes 0.00002; TOPMed 0.00003; ESP Exome Variant Server 0.00008.
gnomAD v4.1: 48 of 1,591,296 alleles (0.003%); highest among the groups gnomAD compares: Middle Eastern, 0.035%; no homozygotes.

Submissions (3):

Labcorp Genetics (formerly Invitae), Labcorp
Classification: Likely benign. Last evaluated: 2025-03-26. Review status: criteria provided, single submitter. Criteria: Invitae Variant Classification Sherloc (09022015). Collection method: clinical testing. Allele origin: germline.

CeGaT Center for Human Genetics Tuebingen
Classification: Likely benign. Last evaluated: 2024-03-01. Review status: criteria provided, single submitter. Criteria: CeGaT Center For Human Genetics Tuebingen Variant Classification Criteria Version 2. Collection method: clinical testing. Allele origin: germline. Affected: yes. Observed: 1 variant allele.
Comment: SPEG: BP4, BP7

Blueprint Genetics
Classification: Likely benign. Last evaluated: 2021-05-28. Review status: criteria provided, single submitter. Criteria: ACMG Guidelines, 2015. Collection method: clinical testing. Allele origin: germline.